The following is an entry in ClinVar:

NM_001385012.1(NBEA):c.6880A>G (p.Ile2294Val)

Gene: NBEA (neurobeachin; plus strand). Cytogenetic location: 13q13.3.
Variant type: single nucleotide variant.
Coding change: c.6880A>G on transcript NM_001385012.1 (MANE Select); coding-DNA position 6880, A replaced by G.
Protein change: p.Ile2294Val; replaces isoleucine 2294 with valine.
Molecular consequence: missense variant.
Genome position (GRCh38, 1-based): chr13:35,555,060, A>G. VCF-style: chr13-35555060-A-G. GRCh37 (hg19) VCF-style: chr13-36129197-A-G.
Other names: c.259A>G, p.Ile87Val (NM_001204197.3); c.6871A>G, p.Ile2291Val (NM_001379245.1); c.6880A>G, p.Ile2294Val (NM_015678.5); short protein forms I2291V, I2294V, I87V.
Identifiers: ClinVar variation 2505703 (VCV002505703.2), dbSNP rs2549722834, ClinGen allele CA387987443.

ClinVar aggregate classification (germline): Uncertain significance (1 of 4 stars; one submission).

Submission:

GeneDx
Classification: Uncertain significance. Last evaluated: 2026-01-19. Review status: criteria provided, single submitter. Criteria: GeneDx Variant Classification Process June 2021. Collection method: clinical testing. Allele origin: germline. Affected: yes.
Comment: Not observed at significant frequency in large population cohorts (gnomAD); In silico analysis suggests that this missense variant does not alter protein structure/function; Has not been previously published as pathogenic or benign to our knowledge